The following is an entry in ClinVar:

ClinVar aggregate classification (germline): Uncertain significance. Review status: criteria provided, multiple submitters, no conflicts (2 of 4 stars). 2 submissions from 2 submitters: Uncertain significance (2). Last evaluated 2023-12-18.

Conditions:
Tuberous sclerosis 2 (TSC2). Identifiers: Orphanet 805, MedGen C1860707, MONDO:0013199, OMIM 613254.

Submissions (2):

Labcorp Genetics (formerly Invitae), Labcorp
Classification: Uncertain significance for Tuberous sclerosis 2. Last evaluated: 2023-12-18. Review status: criteria provided, single submitter. Criteria: Invitae Variant Classification Sherloc (09022015). Collection method: clinical testing. Allele origin: germline.
Comment: This sequence change replaces isoleucine, which is neutral and non-polar, with methionine, which is neutral and non-polar, at codon 606 of the TSC2 protein (p.Ile606Met). This variant is not present in population databases (gnomAD no frequency). This variant has not been reported in the literature in individuals affected with TSC2-related conditions. ClinVar contains an entry for this variant (Variation ID: 1460814). Advanced modeling of protein sequence and biophysical properties (such as structural, functional, and spatial information, amino acid conservation, physicochemical variation, residue mobility, and thermodynamic stability) performed at Invitae indicates that this missense variant is not expected to disrupt TSC2 protein function with a negative predictive value of 95%. In summary, the available evidence is currently insufficient to determine the role of this variant in disease. Therefore, it has been classified as a Variant of Uncertain Significance.

GeneDx
Classification: Uncertain significance. Last evaluated: 2022-02-03. Review status: criteria provided, single submitter. Criteria: GeneDx Variant Classification Process June 2021. Collection method: clinical testing. Allele origin: germline. Affected: yes.
Comment: Not observed at significant frequency in large population cohorts (gnomAD); In silico analysis supports that this missense variant does not alter protein structure/function; Has not been previously published as pathogenic or benign to our knowledge

NM_000548.5(TSC2):c.1818C>G (p.Ile606Met)

Gene: TSC2 (TSC complex subunit 2; plus strand). Cytogenetic location: 16p13.3.
Variant type: single nucleotide variant.
Coding change: c.1818C>G on transcript NM_000548.5 (MANE Select); coding-DNA position 1818, C replaced by G.
Protein change: p.Ile606Met; replaces isoleucine 606 with methionine.
Molecular consequence: missense variant.
Genome position (GRCh38, 1-based): chr16:2,070,557, C>G. VCF-style: chr16-2070557-C-G. GRCh37 (hg19) VCF-style: chr16-2120558-C-G.
Other names: c.1818C>G, p.Ile606Met (NM_001077183.3, NM_001114382.3, NM_001363528.2 and 3 more transcripts); c.1707C>G, p.Ile569Met (NM_001318827.2); c.1671C>G, p.Ile557Met (NM_001318829.2); c.1218C>G, p.Ile406Met (NM_001318831.2); c.1851C>G, p.Ile617Met (NM_001318832.2); short protein forms I569M, I606M, I406M, I557M, I617M.
Identifiers: ClinVar variation 1460814 (VCV001460814.7), dbSNP rs547389841, ClinGen allele CA394272983.